The following is an entry in ClinVar:

ClinVar aggregate classification (germline): Likely benign (1 of 4 stars; one submission).

Allele frequency attached by ClinVar (database versions not stated): 1000 Genomes Project 30x 0.00109; 1000 Genomes Project 0.00120; TOPMed 0.00397; gnomAD 0.00446; ESP Exome Variant Server 0.00592.
gnomAD v4.1: 12,384 of 1,613,244 alleles (0.77%); highest among the groups gnomAD compares: Non-Finnish European, 0.95%; 73 homozygotes.

Submission:

CeGaT Center for Human Genetics Tuebingen
Classification: Likely benign. Last evaluated: 2025-07-01. Review status: criteria provided, single submitter. Criteria: CeGaT Center For Human Genetics Tuebingen Variant Classification Criteria Version 2. Collection method: clinical testing. Allele origin: germline. Affected: yes. Observed: 2 variant alleles.
Comment: TRPC4AP: BP4, BP7, BS2

NM_015638.3(TRPC4AP):c.177G>A (p.Glu59=)

Gene: TRPC4AP (transient receptor potential cation channel subfamily C member 4 associated protein; minus strand). Cytogenetic location: 20q11.22.
Variant type: single nucleotide variant.
Coding change: c.177G>A on transcript NM_015638.3 (MANE Select); coding-DNA position 177, G replaced by A.
Protein change: p.Glu59=; no amino-acid change (glutamic acid 59 retained).
Molecular consequence: synonymous variant.
Genome position (GRCh38, 1-based): chr20:35,078,166, C>T on the plus strand (G>A on the coding strand, the complement: TRPC4AP is on the minus strand). VCF-style: chr20-35078166-C-T. GRCh37 (hg19) VCF-style: chr20-33665969-C-T.
Other names: c.177G>A, p.Glu59= (NM_199368.2).
Identifiers: ClinVar variation 2652278 (VCV002652278.24), dbSNP rs139800499, ClinGen allele CA9829546.